The following is an entry in ClinVar:

ClinVar aggregate classification (germline): Uncertain significance (1 of 4 stars; one submission).

Conditions:
Multiple gastrointestinal atresias. Also called: FAMILIAL INTESTINAL POLYATRESIA SYNDROME; Multiple intestinal atresia. Identifiers: Orphanet 2300, MedGen C0220744, MONDO:0009465.

Allele frequency attached by ClinVar (database versions not stated): TOPMed below 0.00001.

Submission:

Labcorp Genetics (formerly Invitae), Labcorp
Classification: Uncertain significance for Multiple gastrointestinal atresias. Last evaluated: 2023-03-16. Review status: criteria provided, single submitter. Criteria: Invitae Variant Classification Sherloc (09022015). Collection method: clinical testing. Allele origin: germline.
Comment: In summary, the available evidence is currently insufficient to determine the role of this variant in disease. Therefore, it has been classified as a Variant of Uncertain Significance. Advanced modeling of protein sequence and biophysical properties (such as structural, functional, and spatial information, amino acid conservation, physicochemical variation, residue mobility, and thermodynamic stability) performed at Invitae indicates that this missense variant is not expected to disrupt TTC7A protein function. This variant has not been reported in the literature in individuals affected with TTC7A-related conditions. This variant is not present in population databases (gnomAD no frequency). This sequence change replaces leucine, which is neutral and non-polar, with valine, which is neutral and non-polar, at codon 179 of the TTC7A protein (p.Leu179Val).

NM_020458.4(TTC7A):c.535C>G (p.Leu179Val)

Genes: TTC7A (tetratricopeptide repeat domain 7A; plus strand), LOC126806211 (CDK7 strongly-dependent group 2 enhancer GRCh37_chr2:47201305-47202504; plus strand). Cytogenetic location: 2p21.
Variant type: single nucleotide variant.
Coding change: c.535C>G on transcript NM_020458.4 (MANE Select); coding-DNA position 535, C replaced by G.
Protein change: p.Leu179Val; replaces leucine 179 with valine.
Molecular consequence: missense variant. On other transcripts: 5 prime UTR variant (1).
Genome position (GRCh38, 1-based): chr2:46,974,990, C>G. VCF-style: chr2-46974990-C-G. GRCh37 (hg19) VCF-style: chr2-47202129-C-G.
Other names: c.535C>G, p.Leu179Val (NM_001288951.2); c.433C>G, p.Leu145Val (NM_001288953.2); c.-370C>G (NM_001288955.2); short protein forms L145V, L179V.
Identifiers: ClinVar variation 2879156 (VCV002879156.3), dbSNP rs1009101392, ClinGen allele CA46630719.
Genomic context (GRCh38, chr2:46,974,990, plus strand): 5'-GGCCCGAGCAGGACAGGTCTGAGGCACCCTCTTCCTCCCGCAGGCCTCTCTCTGGAACGC[C>G]TACCCAACTCCATCGCCTCCCGCTTCCGCCTGACAGAGAGGGAGGAGGAAGTGATCACCT-3'
Protein context (NP_065191.2, residues 169-189): FVIKGLSLER[Leu179Val]PNSIASRFRL